The following is an entry in ClinVar:

NM_001190274.2(FBXO11):c.2084-3T>G

Gene: FBXO11 (F-box protein 11; minus strand). Cytogenetic location: 2p16.3.
Variant type: single nucleotide variant.
Coding change: c.2084-3T>G on transcript NM_001190274.2 (MANE Select); 3 bases into the intron before coding-DNA position 2084, T replaced by G.
Molecular consequence: intron variant.
Genome position (GRCh38, 1-based): chr2:47,813,380, A>C on the plus strand (T>G on the coding strand, the complement: FBXO11 is on the minus strand). VCF-style: chr2-47813380-A-C. GRCh37 (hg19) VCF-style: chr2-48040519-A-C.
Other names: c.1832-3T>G (NM_001374325.1, NM_025133.4).
Identifiers: ClinVar variation 3897624 (VCV003897624.1).

ClinVar aggregate classification (germline): Likely pathogenic (1 of 4 stars; one submission).

Conditions:
Intellectual developmental disorder with dysmorphic facies and behavioral abnormalities. Identifiers: MedGen C4748135, MONDO:0060760, OMIM 618089.

Submission:

Genetics Laboratory, UDIAT-Centre Diagnòstic, Hospital Universitari Parc Tauli
Classification: Likely pathogenic for intellectual developmental disorder with dysmorphic facies and behavioral abnormalities. Last evaluated: 2024-01-22. Review status: criteria provided, single submitter. Criteria: ACMG Guidelines, 2015. Collection method: clinical testing. Allele origin: unknown. Inheritance: Autosomal dominant inheritance. Affected: yes.
Comment: PVS1_strong;PM2_supporting;PM6_moderate;PP3_moderate